The following is an entry in ClinVar:

NM_001113378.2(FANCI):c.2185T>G (p.Phe729Val)

Gene: FANCI (FA complementation group I; plus strand). Cytogenetic location: 15q26.1.
Variant type: single nucleotide variant.
Coding change: c.2185T>G on transcript NM_001113378.2 (MANE Select); coding-DNA position 2185, T replaced by G.
Protein change: p.Phe729Val; replaces phenylalanine 729 with valine.
Molecular consequence: missense variant.
Genome position (GRCh38, 1-based): chr15:89,292,957, T>G. VCF-style: chr15-89292957-T-G. GRCh37 (hg19) VCF-style: chr15-89836188-T-G.
Other names: c.1906T>G, p.Phe636Val (NM_001376910.1); c.2185T>G, p.Phe729Val (NM_001376911.1, NM_018193.3); short protein forms F636V, F729V.
Identifiers: ClinVar variation 3652474 (VCV003652474.2).

ClinVar aggregate classification (germline): Uncertain significance (1 of 4 stars; one submission).

Conditions:
Fanconi anemia (FA). Also called: Fanconi's anemia. Identifiers: Orphanet 84, MedGen C0015625, MeSH D005199, MONDO:0019391.

Submission:

Labcorp Genetics (formerly Invitae), Labcorp
Classification: Uncertain significance for Fanconi anemia. Last evaluated: 2024-05-07. Review status: criteria provided, single submitter. Criteria: Invitae Variant Classification Sherloc (09022015). Collection method: clinical testing. Allele origin: germline.
Comment: This sequence change replaces phenylalanine, which is neutral and non-polar, with valine, which is neutral and non-polar, at codon 729 of the FANCI protein (p.Phe729Val). This variant is not present in population databases (gnomAD no frequency). This variant has not been reported in the literature in individuals affected with FANCI-related conditions. Advanced modeling of protein sequence and biophysical properties (such as structural, functional, and spatial information, amino acid conservation, physicochemical variation, residue mobility, and thermodynamic stability) performed at Invitae indicates that this missense variant is expected to disrupt FANCI protein function with a positive predictive value of 80%. In summary, the available evidence is currently insufficient to determine the role of this variant in disease. Therefore, it has been classified as a Variant of Uncertain Significance.